The following is an entry in ClinVar:

ClinVar aggregate classification (germline): Conflicting classifications of pathogenicity. Review status: criteria provided, conflicting classifications (1 of 4 stars). 4 submissions from 4 submitters: Uncertain significance (1); Likely benign (2). 1 of the submissions does not count toward it. Last evaluated 2025-05-05.

Conditions:
Walker-Warburg congenital muscular dystrophy. Also called: Muscular dystrophy-dystroglycanopathy, type A; Walker-Warburg syndrome. Identifiers: Orphanet 899, MedGen C0265221, MONDO:0000171.

Allele frequency attached by ClinVar (database versions not stated): gnomAD exomes 0.00001; TOPMed 0.00001.
gnomAD v4.1: 16 of 1,609,802 alleles (0.00099%); highest among the groups gnomAD compares: Admixed American, 0.0017%; no homozygotes.

Submissions (4):

Labcorp Genetics (formerly Invitae), Labcorp
Classification: Likely benign for Walker-Warburg congenital muscular dystrophy. Last evaluated: 2025-05-05. Review status: criteria provided, single submitter. Criteria: Invitae Variant Classification Sherloc (09022015). Collection method: clinical testing. Allele origin: germline.

GeneDx
Classification: Likely benign. Last evaluated: 2017-12-20. Review status: criteria provided, single submitter. Criteria: GeneDx Variant Classification (06012015). Collection method: clinical testing. Allele origin: germline. Affected: yes.
Comment: This variant is considered likely benign or benign based on one or more of the following criteria: it is a conservative change, it occurs at a poorly conserved position in the protein, it is predicted to be benign by multiple in silico algorithms, and/or has population frequency not consistent with disease.

Eurofins Ntd Llc (ga)
Classification: Uncertain significance. Last evaluated: 2017-01-05. Review status: criteria provided, single submitter. Criteria: EGL Classification Definitions 2015. Collection method: clinical testing. Allele origin: germline. Observed: 1 variant allele, 1 heterozygote.

Natera, Inc.
Classification: Likely benign for Walker-Warburg congenital muscular dystrophy. Last evaluated: 2020-07-09. Review status: no assertion criteria provided. Collection method: clinical testing. Allele origin: germline. Not counted in ClinVar's aggregate classification.

NM_001079802.2(FKTN):c.198C>G (p.Ser66=)

Gene: FKTN (fukutin; plus strand). Cytogenetic location: 9q31.2.
Variant type: single nucleotide variant.
Coding change: c.198C>G on transcript NM_001079802.2 (MANE Select); coding-DNA position 198, C replaced by G.
Protein change: p.Ser66=; no amino-acid change (serine 66 retained).
Molecular consequence: synonymous variant. On other transcripts: 5 prime UTR variant (4), non-coding transcript variant (2).
Genome position (GRCh38, 1-based): chr9:105,601,177, C>G. VCF-style: chr9-105601177-C-G. GRCh37 (hg19) VCF-style: chr9-108363458-C-G.
Other names: c.198C>G, p.Ser66= (NM_001198963.2, NM_001351496.2, NM_001351498.2 and 1 more transcripts); c.129C>G, p.Ser43= (NM_001351497.2); c.-317C>G (NM_001351499.2, NM_001351500.2, NM_001351501.2 and 1 more transcripts).
Identifiers: ClinVar variation 499680 (VCV000499680.19), dbSNP rs367868644, ClinGen allele CA466509377.
Genomic context (GRCh38, chr9:105,601,177, plus strand): 5'-TTACGAGAATTCTTTTTCTCTCAAACAGCGTGCAGTTAAAAAATTTATTATGTTAACATC[C>G]AACCAAAATGTACCAGTGTTTCTTATTGATCCTTTGATACTGGAATTGATTAATAAGAAC-3'
Protein context (NP_001073270.1, residues 56-76): RAVKKFIMLT[Ser66=]NQNVPVFLID